The following is an entry in ClinVar:

ClinVar aggregate classification (germline): Uncertain significance (1 of 4 stars; one submission).

Conditions:
PLXNA4-related disorder. Also called: PLXNA4-related condition.

Allele frequency attached by ClinVar (database versions not stated): ExAC 0.00001; gnomAD 0.00001; gnomAD exomes 0.00001; 1000 Genomes Project 30x 0.00016.
gnomAD v4.1: 9 of 1,613,664 alleles (0.00056%); highest among the groups gnomAD compares: East Asian, 0.0022%; no homozygotes.

Submission:

PreventionGenetics, part of Exact Sciences
Classification: Uncertain significance for PLXNA4-related condition. Last evaluated: 2025-08-31. Review status: criteria provided, single submitter. Criteria: ACMG Guidelines, 2015. Collection method: clinical testing. Allele origin: germline.
Comment: The PLXNA4 c.2813G>A variant is predicted to result in the amino acid substitution p.Arg938Gln. To our knowledge, this variant has not been reported in the literature. This variant is reported in 0.0029% of alleles in individuals of Latino descent in gnomAD. At this time, the clinical significance of this variant is uncertain due to the absence of conclusive functional and genetic evidence.

NM_020911.2(PLXNA4):c.2813G>A (p.Arg938Gln)

Gene: PLXNA4 (plexin A4; minus strand). Cytogenetic location: 7q32.3.
Variant type: single nucleotide variant.
Coding change: c.2813G>A on transcript NM_020911.2 (MANE Select); coding-DNA position 2813, G replaced by A.
Protein change: p.Arg938Gln; replaces arginine 938 with glutamine.
Molecular consequence: missense variant.
Genome position (GRCh38, 1-based): chr7:132,194,105, C>T on the plus strand (G>A on the coding strand, the complement: PLXNA4 is on the minus strand). VCF-style: chr7-132194105-C-T. GRCh37 (hg19) VCF-style: chr7-131878864-C-T.
Other names: c.2813G>A, p.Arg938Gln (NM_001393897.1); short protein forms R938Q.
Identifiers: ClinVar variation 2629179 (VCV002629179.2), dbSNP rs779555562, ClinGen allele CA4489682.